The following is an entry in ClinVar:

NM_001032283.3(TMPO):c.565+1278T>C

Gene: TMPO (thymopoietin; plus strand). Cytogenetic location: 12q23.1.
Variant type: single nucleotide variant.
Coding change: c.565+1278T>C on transcript NM_001032283.3 (MANE Select); 1278 bases into the intron after coding-DNA position 565, T replaced by C.
Molecular consequence: intron variant. On other transcripts: missense variant (1).
Genome position (GRCh38, 1-based): chr12:98,533,116, T>C. VCF-style: chr12-98533116-T-C. GRCh37 (hg19) VCF-style: chr12-98926894-T-C.
Other names: c.859T>C, p.Cys287Arg (NM_003276.2); c.565+1278T>C (NM_001307975.2, NM_001032284.3); short protein forms C287R.
Identifiers: ClinVar variation 1763989 (VCV001763989.3), dbSNP rs1475778302, ClinGen allele CA386151965.

ClinVar aggregate classification (germline): Uncertain significance. Review status: criteria provided, multiple submitters, no conflicts (2 of 4 stars). 2 submissions from 2 submitters: Uncertain significance (2). Last evaluated 2025-12-29.

Conditions:
Loeys-Dietz syndrome 2 (LDS2). Also called: TGFBR2-Related Loeys-Dietz Syndrome; Marfan Syndrome type 2; Marfan like connective tissue disorder; MFS 2; AORTIC ANEURYSM, FAMILIAL THORACIC 3; MARFAN SYNDROME, TYPE II. Identifiers: Orphanet 284973, Orphanet 558, MedGen C2674574, MONDO:0012427, OMIM 610168.

Allele frequency attached by ClinVar (database versions not stated): gnomAD 0.00001; TOPMed 0.00001.
gnomAD v4.1: 1 of 1,614,024 alleles (0.000062%); highest among the groups gnomAD compares: African/African-American, 0.0013%; no homozygotes.

Submissions (2):

Labcorp Genetics (formerly Invitae), Labcorp
Classification: Uncertain significance for Loeys-Dietz syndrome 2. Last evaluated: 2025-12-29. Review status: criteria provided, single submitter. Criteria: Invitae Variant Classification Sherloc (09022015). Collection method: clinical testing. Allele origin: germline.
Comment: This sequence change replaces cysteine, which is neutral and slightly polar, with arginine, which is basic and polar, at codon 287 of the TMPO protein (p.Cys287Arg). This variant is not present in population databases (gnomAD no frequency). This variant has not been reported in the literature in individuals affected with TMPO-related conditions. ClinVar contains an entry for this variant (Variation ID: 1763989). Invitae Evidence Modeling of protein sequence and biophysical properties (such as structural, functional, and spatial information, amino acid conservation, physicochemical variation, residue mobility, and thermodynamic stability) indicates that this missense variant is not expected to disrupt TMPO protein function with a negative predictive value of 80%. In summary, the available evidence is currently insufficient to determine the role of this variant in disease. Therefore, it has been classified as a Variant of Uncertain Significance.

Ambry Genetics
Classification: Uncertain significance. Last evaluated: 2022-10-17. Review status: criteria provided, single submitter. Criteria: Ambry Variant Classification Scheme 2023. Collection method: clinical testing. Allele origin: germline.
Comment: The p.C287R variant (also known as c.859T>C), located in coding exon 4 of the TMPO gene, results from a T to C substitution at nucleotide position 859. The cysteine at codon 287 is replaced by arginine, an amino acid with highly dissimilar properties. This amino acid position is conserved. In addition, this alteration is predicted to be tolerated by in silico analysis. Since supporting evidence is limited at this time, the clinical significance of this alteration remains unclear.